The following is an entry in ClinVar:

ClinVar aggregate classification (germline): Uncertain significance (1 of 4 stars; one submission).

Conditions:
T-cell immunodeficiency, congenital alopecia, and nail dystrophy. Also called: Congenital alopecia and nail dystrophy associated with severe functional T-cell immunodeficiency; Pignata Guarino syndrome. Identifiers: Orphanet 169095, MedGen C1866426, MONDO:0011132, OMIM 601705.

Allele frequency attached by ClinVar (database versions not stated): gnomAD exomes 0.00001 and 0.00002; TOPMed 0.00001; gnomAD 0.00002.
gnomAD v4.1: 36 of 1,613,246 alleles (0.0022%); highest among the groups gnomAD compares: Non-Finnish European, 0.0029%; no homozygotes.

Submission:

Labcorp Genetics (formerly Invitae), Labcorp
Classification: Uncertain significance for T-cell immunodeficiency, congenital alopecia, and nail dystrophy. Last evaluated: 2024-07-13. Review status: criteria provided, single submitter. Criteria: Invitae Variant Classification Sherloc (09022015). Collection method: clinical testing. Allele origin: germline.
Comment: This sequence change replaces serine, which is neutral and polar, with leucine, which is neutral and non-polar, at codon 176 of the FOXN1 protein (p.Ser176Leu). This variant is present in population databases (no rsID available, gnomAD 0.002%). This variant has not been reported in the literature in individuals affected with FOXN1-related conditions. ClinVar contains an entry for this variant (Variation ID: 845841). Advanced modeling of protein sequence and biophysical properties (such as structural, functional, and spatial information, amino acid conservation, physicochemical variation, residue mobility, and thermodynamic stability) performed at Invitae indicates that this missense variant is not expected to disrupt FOXN1 protein function with a negative predictive value of 80%. In summary, the available evidence is currently insufficient to determine the role of this variant in disease. Therefore, it has been classified as a Variant of Uncertain Significance.

NM_001369369.1(FOXN1):c.527C>T (p.Ser176Leu)

Gene: FOXN1 (forkhead box N1; plus strand). Cytogenetic location: 17q11.2.
Variant type: single nucleotide variant.
Coding change: c.527C>T on transcript NM_001369369.1 (MANE Select); coding-DNA position 527, C replaced by T.
Protein change: p.Ser176Leu; replaces serine 176 with leucine.
Molecular consequence: missense variant.
Genome position (GRCh38, 1-based): chr17:28,524,906, C>T. VCF-style: chr17-28524906-C-T. GRCh37 (hg19) VCF-style: chr17-26851924-C-T.
Other names: c.527C>T, p.Ser176Leu (NM_003593.3); short protein forms S176L.
Identifiers: ClinVar variation 845841 (VCV000845841.6), dbSNP rs1232299563, ClinGen allele CA398321978.